The following is an entry in ClinVar:

ClinVar aggregate classification (germline): Uncertain significance (1 of 4 stars; one submission).

Conditions:
CASK-related disorder. Also called: CASK-related disorders; CASK-related condition.

Submission:

PreventionGenetics, part of Exact Sciences
Classification: Uncertain significance for CASK-related condition. Last evaluated: 2026-08-28. Review status: criteria provided, single submitter. Criteria: ACMG Guidelines, 2015. Collection method: clinical testing. Allele origin: germline.
Comment: The CASK c.2100G>T variant is predicted to result in the amino acid substitution p.Trp700Cys. To our knowledge, this variant has not been reported in the literature. This variant is absent in a large population database (gnomAD), indicating this variant is rare. At this time, the clinical significance of this variant is uncertain due to the absence of conclusive functional and genetic evidence.

NM_001367721.1(CASK):c.2100G>T (p.Trp700Cys)

Gene: CASK (calcium/calmodulin dependent serine protein kinase; minus strand). Cytogenetic location: Xp11.4.
Variant type: single nucleotide variant.
Coding change: c.2100G>T on transcript NM_001367721.1 (MANE Select); coding-DNA position 2100, G replaced by T.
Protein change: p.Trp700Cys; replaces tryptophan 700 with cysteine.
Molecular consequence: missense variant.
Genome position (GRCh38, 1-based): chrX:41,542,746, C>A on the plus strand (G>T on the coding strand, the complement: CASK is on the minus strand). VCF-style: chrX-41542746-C-A. GRCh37 (hg19) VCF-style: chrX-41401999-C-A.
Other names: c.2031G>T, p.Trp677Cys (NM_001126054.3); c.2013G>T, p.Trp671Cys (NM_001126055.3); c.2082G>T, p.Trp694Cys (NM_001410745.1); c.2100G>T, p.Trp700Cys (NM_003688.4); short protein forms W694C, W671C, W700C, W677C.
Identifiers: ClinVar variation 4991723 (VCV004991723.1).